The following is an entry in ClinVar:

NM_001387430.1(SH2B1):c.2039_2040del (p.Lys680fs)

Gene: SH2B1 (SH2B adaptor protein 1; plus strand). Cytogenetic location: 16p11.2.
Variant type: Deletion.
Coding change: c.2039_2040del on transcript NM_001387430.1 (MANE Select); coding-DNA positions 2039 to 2040, 2 bases deleted (AA; older notation c.2039_2040delAA).
Protein change: p.Lys680fs; shifts the reading frame from lysine 680.
Molecular consequence: frameshift variant. On other transcripts: 3 prime UTR variant (5).
Genome position (GRCh38, 1-based): chr16:28,873,588-28,873,589, AA deleted; deleting any 2 consecutive bases within chr16:28,873,587-28,873,589 gives the same sequence; the c. name uses the placement nearest the transcript's 3' end. VCF-style (leftmost placement, unchanged base first): chr16-28873586-GAA-G. GRCh37 (hg19) VCF-style: chr16-28884907-GAA-G.
Other names: c.2039_2040del, p.Lys680fs (NM_001145795.2, NM_001308293.2, NM_001387404.1); c.*123_*124del (NM_001145796.2, NM_001145812.2, NM_001308294.2 and 1 more transcripts); c.*140_*141del (NM_001145797.2); short protein forms K680fs.
Identifiers: ClinVar variation 4997449 (VCV004997449.1).

ClinVar aggregate classification (germline): Uncertain significance (1 of 4 stars; one submission).

Conditions:
SH2B1-related disorder. Also called: SH2B1-related condition.

Submission:

PreventionGenetics, part of Exact Sciences
Classification: Uncertain significance for SH2B1-related condition. Last evaluated: 2025-02-05. Review status: criteria provided, single submitter. Criteria: ACMG Guidelines, 2015. Collection method: clinical testing. Allele origin: germline.
Comment: The SH2B1 c.2039_2040delAA variant is predicted to result in a frameshift and premature protein termination (p.Lys680Argfs*17). To our knowledge, this variant has not been reported in the literature or in a large population database (gnomAD), indicating this variant is rare. Although we suspect that this variant may be pathogenic, at this time, the clinical significance of this variant is uncertain due to the absence of conclusive functional and genetic evidence.